The following is an entry in ClinVar:

ClinVar aggregate classification (germline): Uncertain significance. Review status: criteria provided, multiple submitters, no conflicts (2 of 4 stars). 3 submissions from 3 submitters: Uncertain significance (3). Last evaluated 2026-03-05.

Conditions:
Hereditary cancer-predisposing syndrome. Also called: Neoplastic Syndromes, Hereditary; Tumor predisposition; Hereditary neoplastic syndrome; Hereditary Cancer Syndrome. Identifiers: Orphanet 140162, MedGen C0027672, MeSH D009386, MONDO:0015356.
Birt-Hogg-Dube syndrome. Also called: Birt Hogg Dubé syndrome. Identifiers: Orphanet 122, MedGen C0346010, MONDO:0800444.
Birt-Hogg-Dube syndrome 1 (BHD1). Also called: FIBROFOLLICULOMAS WITH TRICHODISCOMAS AND ACROCHORDONS. Identifiers: Orphanet 122, MedGen CN375946, MONDO:0800445, OMIM 135150.
Nonpapillary renal cell carcinoma. Identifiers: Orphanet 422526, MedGen CN074294, MONDO:0007763, OMIM 144700.
Colorectal cancer. Also called: Malignant Colorectal Neoplasm; Colorectal cancer, somatic. Identifiers: MedGen C0346629, MONDO:0005575, OMIM 114500.
Familial spontaneous pneumothorax (PSP). Identifiers: Orphanet 2903, MedGen C1868193, MONDO:0008259, OMIM 173600.

Submissions (3):

Ambry Genetics
Classification: Uncertain significance for Hereditary cancer-predisposing syndrome. Last evaluated: 2026-03-05. Review status: criteria provided, single submitter. Criteria: Ambry Variant Classification Scheme 2023. Collection method: clinical testing. Allele origin: germline.
Comment: The p.P278R variant (also known as c.833C>G), located in coding exon 5 of the FLCN gene, results from a C to G substitution at nucleotide position 833. The proline at codon 278 is replaced by arginine, an amino acid with dissimilar properties. This amino acid position is highly conserved in available vertebrate species. In addition, this alteration is predicted to be deleterious by in silico analysis. Based on the available evidence, the clinical significance of this variant remains unclear.

Labcorp Genetics (formerly Invitae), Labcorp
Classification: Uncertain significance for Birt-Hogg-Dube syndrome. Last evaluated: 2025-09-11. Review status: criteria provided, single submitter. Criteria: Invitae Variant Classification Sherloc (09022015). Collection method: clinical testing. Allele origin: germline.
Comment: This sequence change replaces proline, which is neutral and non-polar, with arginine, which is basic and polar, at codon 278 of the FLCN protein (p.Pro278Arg). This variant is not present in population databases (gnomAD no frequency). This variant has not been reported in the literature in individuals affected with FLCN-related conditions. ClinVar contains an entry for this variant (Variation ID: 460634). Invitae Evidence Modeling of protein sequence and biophysical properties (such as structural, functional, and spatial information, amino acid conservation, physicochemical variation, residue mobility, and thermodynamic stability) has been performed for this missense variant. However, the output from this modeling did not meet the statistical confidence thresholds required to predict the impact of this variant on FLCN protein function. In summary, the available evidence is currently insufficient to determine the role of this variant in disease. Therefore, it has been classified as a Variant of Uncertain Significance.

Fulgent Genetics
Classification: Uncertain significance for Colorectal cancer; Birt-Hogg-Dube syndrome 1; Nonpapillary renal cell carcinoma; Familial spontaneous pneumothorax. Last evaluated: 2024-04-05. Review status: criteria provided, single submitter. Criteria: ACMG Guidelines, 2015. Collection method: clinical testing. Allele origin: germline.

NM_144997.7(FLCN):c.833C>G (p.Pro278Arg)

Gene: FLCN (folliculin; minus strand). Cytogenetic location: 17p11.2.
Variant type: single nucleotide variant.
Coding change: c.833C>G on transcript NM_144997.7 (MANE Select); coding-DNA position 833, C replaced by G.
Protein change: p.Pro278Arg; replaces proline 278 with arginine.
Molecular consequence: missense variant.
Genome position (GRCh38, 1-based): chr17:17,221,575, G>C on the plus strand (C>G on the coding strand, the complement: FLCN is on the minus strand). VCF-style: chr17-17221575-G-C. GRCh37 (hg19) VCF-style: chr17-17124889-G-C.
Other names: c.833C>G (LRG_325t1); c.887C>G, p.Pro296Arg (NM_001353229.2); c.833C>G, p.Pro278Arg (NM_001353230.2, NM_001353231.2, NM_144606.7); short protein forms P278R, P296R.
Identifiers: ClinVar variation 460634 (VCV000460634.11), dbSNP rs748031634, ClinGen allele CA398533693.